The following is an entry in ClinVar:

NM_000388.4(CASR):c.186G>C (p.Arg62Ser)

Gene: CASR (calcium sensing receptor; plus strand). Cytogenetic location: 3q21.1.
Variant type: single nucleotide variant.
Coding change: c.186G>C on transcript NM_000388.4 (MANE Select); coding-DNA position 186, G replaced by C.
Protein change: p.Arg62Ser; replaces arginine 62 with serine.
Molecular consequence: missense variant.
Genome position (GRCh38, 1-based): chr3:122,257,081, G>C. VCF-style: chr3-122257081-G-C. GRCh37 (hg19) VCF-style: chr3-121975928-G-C.
Other names: c.186G>C, p.Arg62Ser (NM_001178065.2); short protein forms R62S.
Identifiers: ClinVar variation 3393046 (VCV003393046.2).

ClinVar aggregate classification (germline): Uncertain significance (1 of 4 stars; one submission).

Conditions:
Neonatal severe primary hyperparathyroidism. Identifiers: Orphanet 417, MedGen C1832615, MONDO:0009397, OMIM 239200.

Submission:

Kasturba Medical College, Manipal, Kasturba Medical College, Manipal, Manipal Academy of Higher Education, Manipal, India
Classification: Uncertain significance for Neonatal severe primary hyperparathyroidism. Review status: criteria provided, single submitter. Criteria: ACMG Guidelines, 2015. Collection method: research. Allele origin: germline. Inheritance: Autosomal recessive inheritance. Affected: yes. Observed: 1 homozygote.
Comment: This variant is reported in one individual in a heterozygous state in the gnomAD (v4.1.0) population database and our in-house exome data of 3343 individuals. Bi-allelic variants in CASR are known to cause hyperparathyroidism, neonatal (MIM# 239200).